The following is an entry in ClinVar:

NM_001001957.2(OR2W3):c.20G>A (p.Ser7Asn)

Gene: OR2W3 (olfactory receptor family 2 subfamily W member 3; plus strand). Cytogenetic location: 1q44.
Variant type: single nucleotide variant.
Coding change: c.20G>A on transcript NM_001001957.2 (MANE Select); coding-DNA position 20, G replaced by A.
Protein change: p.Ser7Asn; replaces serine 7 with asparagine.
Molecular consequence: missense variant.
Genome position (GRCh38, 1-based): chr1:247,895,606, G>A. VCF-style: chr1-247895606-G-A. GRCh37 (hg19) VCF-style: chr1-248058908-G-A.
Other names: short protein forms S7N.
Identifiers: ClinVar variation 2874853 (VCV002874853.3), dbSNP rs1273838235, ClinGen allele CA345590820.
Genomic context (GRCh38, chr1:247,895,606, plus strand): 5'-ATTATTATTAGGATTGATATTTCTGTTCAGCAGCAGTAGAGATGGATGGAACCAATGGCA[G>A]CACCCAAACCCATTTCATCCTACTGGGATTCTCTGACCGACCCCATCTGGAGAGGATCCT-3'
Protein context (NP_001001957.2, residues 1-17): MDGTNG[Ser7Asn]TQTHFILLGF

ClinVar aggregate classification (germline): Uncertain significance (1 of 4 stars; one submission).

Allele frequency attached by ClinVar (database versions not stated): TOPMed 0.00001; gnomAD exomes below 0.00001.

Submission:

Labcorp Genetics (formerly Invitae), Labcorp
Classification: Uncertain significance. Last evaluated: 2025-06-26. Review status: criteria provided, single submitter. Criteria: Invitae Variant Classification Sherloc (09022015). Collection method: clinical testing. Allele origin: germline.
Comment: This sequence change replaces serine, which is neutral and polar, with asparagine, which is neutral and polar, at codon 7 of the OR2W3 protein (p.Ser7Asn). This variant is not present in population databases (gnomAD no frequency). This variant has not been reported in the literature in individuals affected with OR2W3-related conditions. ClinVar contains an entry for this variant (Variation ID: 2874853). An algorithm developed to predict the effect of missense changes on protein structure and function (PolyPhen-2) suggests that this variant is likely to be tolerated. In summary, the available evidence is currently insufficient to determine the role of this variant in disease. Therefore, it has been classified as a Variant of Uncertain Significance.